The following is an entry in ClinVar:

ClinVar aggregate classification (germline): Likely benign (1 of 4 stars; one submission).

gnomAD v4.1: 94 of 1,613,584 alleles (0.0058%); highest among the groups gnomAD compares: Middle Eastern, 0.051%; no homozygotes.

Submission:

CeGaT Center for Human Genetics Tuebingen
Classification: Likely benign. Last evaluated: 2026-05-01. Review status: criteria provided, single submitter. Criteria: CeGaT Center For Human Genetics Tuebingen Variant Classification Criteria Version 2. Collection method: clinical testing. Allele origin: germline. Affected: yes. Observed: 1 variant allele.
Comment: MAP1B: BP4, BP7

NM_005909.5(MAP1B):c.2763C>T (p.Asp921=)

Gene: MAP1B (microtubule associated protein 1B; plus strand). Cytogenetic location: 5q13.2.
Variant type: single nucleotide variant.
Coding change: c.2763C>T on transcript NM_005909.5 (MANE Select); coding-DNA position 2763, C replaced by T.
Protein change: p.Asp921=; no amino-acid change (aspartic acid 921 retained).
Molecular consequence: synonymous variant.
Genome position (GRCh38, 1-based): chr5:72,196,118, C>T. VCF-style: chr5-72196118-C-T. GRCh37 (hg19) VCF-style: chr5-71491945-C-T.
Other names: c.2385C>T, p.Asp795= (NM_001324255.2).
Identifiers: ClinVar variation 4873214 (VCV004873214.2).